The following is an entry in ClinVar:

ClinVar aggregate classification (germline): Likely benign. Review status: criteria provided, multiple submitters, no conflicts (2 of 4 stars). 3 submissions from 3 submitters: Likely benign (3). Last evaluated 2025-05-01.

Conditions:
Congenital muscular hypertrophy-cerebral syndrome (CDLS2). Also called: SMC1A-Related Cornelia de Lange Syndrome; Cornelia de Lange syndrome 2. Identifiers: Orphanet 199, MedGen C1802395, MONDO:0010370, OMIM 300590.
Intellectual disability. Also called: intellectual disabilities; Intellectual developmental disorder; Intellectual functioning disability. Identifiers: MedGen C3714756, MeSH D008607, MONDO:0001071, HP:0001249.

Allele frequency attached by ClinVar (database versions not stated): ExAC 0.00001; gnomAD 0.00001; TOPMed 0.00001; gnomAD exomes 0.00002.
gnomAD v4.1: 26 of 1,209,582 alleles (0.0021%); highest among the groups gnomAD compares: Non-Finnish European, 0.0029%; no homozygotes.

Submissions (3):

CeGaT Center for Human Genetics Tuebingen
Classification: Likely benign. Last evaluated: 2025-05-01. Review status: criteria provided, single submitter. Criteria: CeGaT Center For Human Genetics Tuebingen Variant Classification Criteria Version 2. Collection method: clinical testing. Allele origin: germline. Affected: yes. Observed: 1 variant allele.
Comment: SMC1A: PP2, BS2

Labcorp Genetics (formerly Invitae), Labcorp
Classification: Likely benign for Congenital muscular hypertrophy-cerebral syndrome. Last evaluated: 2021-12-27. Review status: criteria provided, single submitter. Criteria: Invitae Variant Classification Sherloc (09022015). Collection method: clinical testing. Allele origin: germline.

Cambridge Genomics Laboratory, East Genomic Laboratory Hub, NHS Genomic Medicine Service
Classification: Likely benign for Intellectual disability. Last evaluated: 2020-03-09. Review status: criteria provided, single submitter. Criteria: ACGS Best Practice Guidelines for Variant Classification in Rare Disease 2020. Collection method: clinical testing. Allele origin: germline. Affected: yes. Observed: 1 variant allele.

NM_006306.4(SMC1A):c.1408A>G (p.Ile470Val)

Gene: SMC1A (structural maintenance of chromosomes 1A; minus strand). Cytogenetic location: Xp11.22.
Variant type: single nucleotide variant.
Coding change: c.1408A>G on transcript NM_006306.4 (MANE Select); coding-DNA position 1408, A replaced by G.
Protein change: p.Ile470Val; replaces isoleucine 470 with valine.
Molecular consequence: missense variant.
Genome position (GRCh38, 1-based): chrX:53,409,199, T>C on the plus strand (A>G on the coding strand, the complement: SMC1A is on the minus strand). VCF-style: chrX-53409199-T-C. GRCh37 (hg19) VCF-style: chrX-53436130-T-C.
Other names: c.1342A>G, p.Ile448Val (NM_001281463.1); short protein forms I448V, I470V.
Identifiers: ClinVar variation 2063365 (VCV002063365.15), dbSNP rs782521146, ClinGen allele CA10420556.
Genomic context (GRCh38, chrX:53,409,199, plus strand): 5'-CGATGCGGGCATCCCCTAGCTGCTCCATCACCTGGTTCAGCTCCTTATTGATTTCATCAA[T>C]ACGCCGCTTGGCCATCTCCACCTCCTCTGTCAGCTCCCCCTCTAGCTTCTTCTGCTCTTC-3'
Protein context (NP_006297.2, residues 460-480): TEEVEMAKRR[Ile470Val]DEINKELNQV